The following is an entry in ClinVar:

ClinVar aggregate classification (germline): Uncertain significance. Review status: criteria provided, multiple submitters, no conflicts (2 of 4 stars). 2 submissions from 2 submitters: Uncertain significance (2). Last evaluated 2025-03-31.

Conditions:
Candidiasis, familial, 9 (CANDF9). Identifiers: Orphanet 1334, MedGen C4225324, MONDO:0014642, OMIM 616445.

Allele frequency attached by ClinVar (database versions not stated): TOPMed below 0.00001; gnomAD exomes below 0.00001.
gnomAD v4.1: 3 of 1,608,168 alleles (0.00019%); highest among the groups gnomAD compares: African/African-American, 0.0013%; no homozygotes.

Submissions (2):

Labcorp Genetics (formerly Invitae), Labcorp
Classification: Uncertain significance for Candidiasis, familial, 9. Last evaluated: 2025-03-31. Review status: criteria provided, single submitter. Criteria: Invitae Variant Classification Sherloc (09022015). Collection method: clinical testing. Allele origin: germline.
Comment: This sequence change replaces arginine, which is basic and polar, with lysine, which is basic and polar, at codon 251 of the IL17RC protein (p.Arg251Lys). The frequency data for this variant in the population databases is considered unreliable, as metrics indicate poor data quality at this position in the gnomAD database. This variant has not been reported in the literature in individuals affected with IL17RC-related conditions. ClinVar contains an entry for this variant (Variation ID: 860489). An algorithm developed to predict the effect of missense changes on protein structure and function (PolyPhen-2) suggests that this variant is likely to be disruptive. In summary, the available evidence is currently insufficient to determine the role of this variant in disease. Therefore, it has been classified as a Variant of Uncertain Significance.

Ambry Genetics
Classification: Uncertain significance. Last evaluated: 2024-08-20. Review status: criteria provided, single submitter. Criteria: Ambry Variant Classification Scheme 2023. Collection method: clinical testing. Allele origin: germline.

NM_153460.4(IL17RC):c.539G>A (p.Arg180Lys)

Gene: IL17RC (interleukin 17 receptor C; plus strand). Cytogenetic location: 3p25.3.
Variant type: single nucleotide variant.
Coding change: c.539G>A on transcript NM_153460.4 (MANE Select); coding-DNA position 539, G replaced by A.
Protein change: p.Arg180Lys; replaces arginine 180 with lysine.
Molecular consequence: missense variant. On other transcripts: non-coding transcript variant (1).
Genome position (GRCh38, 1-based): chr3:9,920,564, G>A. VCF-style: chr3-9920564-G-A. GRCh37 (hg19) VCF-style: chr3-9962248-G-A.
Other names: c.539G>A, p.Arg180Lys (NM_001203263.2, NM_001203264.2, NM_001203265.2 and 3 more transcripts); c.464G>A, p.Arg155Lys (NM_001367279.1); c.752G>A, p.Arg251Lys (NM_153461.4); short protein forms R155K, R180K, R251K.
Identifiers: ClinVar variation 860489 (VCV000860489.7), dbSNP rs1159674026, ClinGen allele CA351757197.